The following is an entry in ClinVar:

ClinVar aggregate classification (germline): Uncertain significance (1 of 4 stars; one submission).

Submission:

Dasa
Classification: Uncertain significance. Last evaluated: 2024-11-08. Review status: criteria provided, single submitter. Criteria: DASA Assertion Criteria. Collection method: clinical testing. Allele origin: germline.
Comment: NM_000701.8(ATP1A1):c.2016C>A (p.Asp672Glu) is a missense variant that results in the substitution of aspartic acid with glutamic acid. This variant is absent from population databases. The currently available literature and clinical evidence are not sufficient to establish a definitive association between this variant and the reported condition. Therefore, this variant is classified as a variant of uncertain significance.

NM_000701.8(ATP1A1):c.2016C>A (p.Asp672Glu)

Genes: ATP1A1-AS1 (ATP1A1 antisense RNA 1; minus strand), ATP1A1 (ATPase Na+/K+ transporting subunit alpha 1; plus strand). Cytogenetic location: 1p13.1.
Variant type: single nucleotide variant.
Coding change: c.2016C>A on transcript NM_000701.8 (MANE Select); coding-DNA position 2016, C replaced by A.
Protein change: p.Asp672Glu; replaces aspartic acid 672 with glutamic acid.
Molecular consequence: missense variant.
Genome position (GRCh38, 1-based): chr1:116,397,930, C>A. VCF-style: chr1-116397930-C-A. GRCh37 (hg19) VCF-style: chr1-116940552-C-A.
Other names: c.2016C>A, p.Asp672Glu (NM_001160233.2); c.1923C>A, p.Asp641Glu (NM_001160234.2); short protein forms D641E, D672E.
Identifiers: ClinVar variation 4881781 (VCV004881781.2).